The following is an entry in ClinVar:

NM_000245.4(MET):c.3521A>G (p.His1174Arg)

Gene: MET (MET proto-oncogene, receptor tyrosine kinase; plus strand). Cytogenetic location: 7q31.2.
Variant type: single nucleotide variant.
Coding change: c.3521A>G on transcript NM_000245.4 (MANE Select); coding-DNA position 3521, A replaced by G.
Protein change: p.His1174Arg; replaces histidine 1174 with arginine.
Molecular consequence: missense variant.
Genome position (GRCh38, 1-based): chr7:116,778,956, A>G. VCF-style: chr7-116778956-A-G. GRCh37 (hg19) VCF-style: chr7-116419010-A-G.
Other names: c.3575A>G (LRG_662t1, NM_001127500.2); c.3575A>G, p.His1192Arg (NM_001127500.3); c.2231A>G, p.His744Arg (NM_001324402.2); short protein forms H1192R, H1174R, H744R.
Identifiers: ClinVar variation 216508 (VCV000216508.25), dbSNP rs372830789, ClinGen allele CA335869.
Genomic context (GRCh38, chr7:116,778,956, plus strand): 5'-TGGTGGTCCTACCATACATGAAACATGGAGATCTTCGAAATTTCATTCGAAATGAGACTC[A>G]TGTAAGTTGACTGCCAAGCTTACTAACTGGCAAACTAGCTGTAAGCCAGCCATCCCTTCA-3'
Protein context (NP_000236.2, residues 1164-1184): DLRNFIRNET[His1174Arg]NPTVKDLIGF

ClinVar aggregate classification (germline): Conflicting classifications of pathogenicity. Review status: criteria provided, conflicting classifications (1 of 4 stars). 6 submissions from 6 submitters: Uncertain significance (2); Likely benign (2). 2 of the submissions do not count toward it. Last evaluated 2026-02-03.

Conditions:
Renal cell carcinoma. Identifiers: Orphanet 217071, MedGen C0007134, MeSH D002292, MONDO:0005086, HP:0005584.
MET-related disorder. Also called: MET-related condition.
Hereditary cancer-predisposing syndrome. Also called: Hereditary Cancer Syndrome; Hereditary neoplastic syndrome; Neoplastic Syndromes, Hereditary; Tumor predisposition. Identifiers: Orphanet 140162, MedGen C0027672, MeSH D009386, MONDO:0015356.

Allele frequency attached by ClinVar (database versions not stated): gnomAD exomes 0.00004 and 0.00006; ExAC 0.00007; 1000 Genomes Project 30x 0.00016; 1000 Genomes Project 0.00020; ESP Exome Variant Server 0.00025; gnomAD 0.00035 and 0.00041; TOPMed 0.00044.
gnomAD v4.1: 116 of 1,613,674 alleles (0.0072%); highest among the groups gnomAD compares: African/African-American, 0.15%; no homozygotes.

Submissions (7):

Labcorp Genetics (formerly Invitae), Labcorp
Classification: Likely benign for Renal cell carcinoma. Last evaluated: 2026-02-03. Review status: criteria provided, single submitter. Criteria: Invitae Variant Classification Sherloc (09022015). Collection method: clinical testing. Allele origin: germline.

Quest Diagnostics Nichols Institute San Juan Capistrano
Classification: Uncertain significance. Last evaluated: 2025-05-27. Review status: criteria provided, single submitter. Criteria: Quest Diagnostics criteria. Collection method: clinical testing. Allele origin: unknown.

GeneDx
Classification: Uncertain significance. Last evaluated: 2022-08-12. Review status: criteria provided, single submitter. Criteria: GeneDx Variant Classification Process June 2021. Collection method: clinical testing. Allele origin: germline. Affected: yes.
Comment: In silico analysis supports that this missense variant does not alter protein structure/function; Observed in an individual with neuroblastoma (Zhang et al., 2015); This variant is associated with the following publications: (PMID: 26580448)

Ambry Genetics
Classification: Likely benign for Hereditary cancer-predisposing syndrome. Last evaluated: 2020-06-25. Review status: criteria provided, single submitter. Criteria: Ambry Variant Classification Scheme 2023. Collection method: clinical testing. Allele origin: germline.

PreventionGenetics, part of Exact Sciences
Classification: Likely benign for MET-related condition. Last evaluated: 2024-05-12. Review status: no assertion criteria provided. Collection method: clinical testing. Allele origin: germline. Not counted in ClinVar's aggregate classification.
Comment: This variant is classified as likely benign based on ACMG/AMP sequence variant interpretation guidelines (Richards et al. 2015 PMID: 25741868, with internal and published modifications).

Genetic Services Laboratory, University of Chicago
Classification: Uncertain significance. Last evaluated: 2022-07-27. Review status: no assertion criteria provided. Collection method: clinical testing. Allele origin: germline. Affected: no. Not counted in ClinVar's aggregate classification.
Comment: DNA sequence analysis of the MET gene demonstrated a sequence change, c.3575A>G, in exon 17 that results in an amino acid change, p.His1192Arg. This sequence change does not appear to have been previously described in individuals with MET-related disorders. This sequence change has been described in the gnomAD database with a frequency of 0.11% in the African subpopulation (dbSNP rs372830789). The p.His1192Arg change affects a highly conserved amino acid residue located in a domain of the MET protein that is known to be functional. In-silico pathogenicity prediction tools (SIFT, PolyPhen2, Align GVGD, REVEL) provide contradictory results for the p.His1192Arg substitution. Due to insufficient evidences and the lack of functional studies, the clinical significance of the p.His1192Arg change remains unknown at this time. Heterozygous pathogenic variants in MET are associated with papillary renal cell carcinoma [OMIM# 605074].

Dr. Peter K. Rogan Lab, Western University
No classification provided (evidence only). Condition: Uterine corpus endometrial carcinoma. Review status: no classification provided. Collection method: in vitro. Allele origin: not applicable. Functional consequence: retained intron. Not counted in ClinVar's aggregate classification.

Literature cited by the submitters: PubMed 24319509 (cited by Ambry Genetics); PubMed 25394175 (cited by Ambry Genetics); PubMed 26580448 (cited by Ambry Genetics).